The following is an entry in ClinVar:

ClinVar aggregate classification (germline): Conflicting classifications of pathogenicity. Review status: criteria provided, conflicting classifications (1 of 4 stars). 4 submissions from 4 submitters: Uncertain significance (3); Likely benign (1). Last evaluated 2025-05-22.

Conditions:
KBG syndrome (KBGS). Also called: ANKRD11-Related KBG Syndrome. Identifiers: Orphanet 2332, MedGen C0220687, MONDO:0007846, OMIM 148050.

Allele frequency attached by ClinVar (database versions not stated): TOPMed below 0.00001; gnomAD 0.00001; gnomAD exomes 0.00001.
gnomAD v4.1: 15 of 1,613,660 alleles (0.00093%); highest among the groups gnomAD compares: Middle Eastern, 0.033%; no homozygotes.

Submissions (4):

Labcorp Genetics (formerly Invitae), Labcorp
Classification: Uncertain significance for KBG syndrome. Last evaluated: 2025-05-22. Review status: criteria provided, single submitter. Criteria: Invitae Variant Classification Sherloc (09022015). Collection method: clinical testing. Allele origin: germline.
Comment: This sequence change replaces arginine, which is basic and polar, with lysine, which is basic and polar, at codon 942 of the ANKRD11 protein (p.Arg942Lys). This variant is not present in population databases (gnomAD no frequency). This variant has not been reported in the literature in individuals affected with ANKRD11-related conditions. ClinVar contains an entry for this variant (Variation ID: 379782). Invitae Evidence Modeling of protein sequence and biophysical properties (such as structural, functional, and spatial information, amino acid conservation, physicochemical variation, residue mobility, and thermodynamic stability) indicates that this missense variant is not expected to disrupt ANKRD11 protein function with a negative predictive value of 95%. In summary, the available evidence is currently insufficient to determine the role of this variant in disease. Therefore, it has been classified as a Variant of Uncertain Significance.

Blueprint Genetics
Classification: Likely benign. Last evaluated: 2022-12-09. Review status: criteria provided, single submitter. Criteria: ACMG Guidelines, 2015. Collection method: clinical testing. Allele origin: germline.

GeneDx
Classification: Uncertain significance. Last evaluated: 2022-10-04. Review status: criteria provided, single submitter. Criteria: GeneDx Variant Classification Process June 2021. Collection method: clinical testing. Allele origin: germline. Affected: yes.
Comment: Not observed at significant frequency in large population cohorts (gnomAD); In silico analysis, which includes protein predictors and evolutionary conservation, supports that this variant does not alter protein structure/function; Has not been previously published as pathogenic or benign to our knowledge

Breakthrough Genomics
Classification: Uncertain significance. Review status: criteria provided, single submitter. Criteria: ACMG Guidelines, 2015. Collection method: not provided. Allele origin: germline. Inheritance: Autosomal dominant inheritance. Affected: yes.

NM_013275.6(ANKRD11):c.2825G>A (p.Arg942Lys)

Gene: ANKRD11 (ankyrin repeat domain 11; minus strand). Cytogenetic location: 16q24.3.
Variant type: single nucleotide variant.
Coding change: c.2825G>A on transcript NM_013275.6 (MANE Select); coding-DNA position 2825, G replaced by A.
Protein change: p.Arg942Lys; replaces arginine 942 with lysine.
Molecular consequence: missense variant.
Genome position (GRCh38, 1-based): chr16:89,283,717, C>T on the plus strand (G>A on the coding strand, the complement: ANKRD11 is on the minus strand). VCF-style: chr16-89283717-C-T. GRCh37 (hg19) VCF-style: chr16-89350125-C-T.
Other names: c.2825G>A, p.Arg942Lys (NM_001256182.2, NM_001256183.2); short protein forms R942K.
Identifiers: ClinVar variation 379782 (VCV000379782.10), dbSNP rs1057520729, ClinGen allele CA16607491.